The following is an entry in ClinVar:

ClinVar aggregate classification (germline): Pathogenic (1 of 4 stars; one submission).

Conditions:
Hypogonadotropic hypogonadism 2 with or without anosmia (HH2). Also called: FGFR1-Related GnRH Deficiency (Kallmann Syndrome 2); HYPOGONADOTROPIC HYPOGONADISM 2 WITHOUT ANOSMIA; HYPOGONADOTROPIC HYPOGONADISM 2 WITH OR WITHOUT ANOSMIA, SUSCEPTIBILITY TO; HYPOGONADOTROPIC HYPOGONADISM 2 WITHOUT ANOSMIA, SUSCEPTIBILITY TO. Identifiers: Orphanet 478, MedGen C1563720, MONDO:0007844, OMIM 147950. Disease mechanism: loss of function.

Submission:

Reproductive Endocrine Unit, Massachusetts General Hospital
Classification: Pathogenic for Hypogonadotropic hypogonadism 2 with or without anosmia. Last evaluated: 2023-05-04. Review status: criteria provided, single submitter. Criteria: ACMG Guidelines, 2015. Collection method: research. Allele origin: inherited. Affected: yes. Observed: 1 variant allele.
Comment: The variant NM_023110.2:c.1854+1G>A, has been classified as P1c based on the variant meeting the following ACMG Criteria: PVS1,PM2,PP1.

NM_023110.3(FGFR1):c.1854+1G>A

Gene: FGFR1 (fibroblast growth factor receptor 1; minus strand). Cytogenetic location: 8p11.23.
Variant type: single nucleotide variant.
Coding change: c.1854+1G>A on transcript NM_023110.3 (MANE Select); the canonical splice donor site of the intron after coding-DNA position 1854, G replaced by A.
Molecular consequence: splice donor variant.
Genome position (GRCh38, 1-based): chr8:38,415,869, C>T on the plus strand (G>A on the coding strand, the complement: FGFR1 is on the minus strand). VCF-style: chr8-38415869-C-T. GRCh37 (hg19) VCF-style: chr8-38273387-C-T.
Other names: c.1575+1G>A (NM_001354368.2); c.1581+1G>A (NM_001354370.2, NM_023106.3); c.1587+1G>A (NM_023105.3, NM_001174066.2); c.1848+1G>A (NM_001354367.2, NM_015850.4, NM_001174063.2 and 1 more transcripts); c.1824+1G>A (NM_001174064.2); c.1842+1G>A (NM_001354369.2, NM_001410922.1); c.1947+1G>A (NM_001174067.2).
Identifiers: ClinVar variation 2505398 (VCV002505398.1), dbSNP rs2150581545, ClinGen allele CA370731513.